The following is an entry in ClinVar:

ClinVar aggregate classification (germline): Uncertain significance (1 of 4 stars; one submission).

Conditions:
Familial adenomatous polyposis 1 (FAP1). Also called: FAMILIAL ADENOMATOUS POLYPOSIS 1, ATTENUATED; POLYPOSIS, ADENOMATOUS INTESTINAL. Identifiers: MedGen C2713442, MONDO:0021056, OMIM 175100. Disease mechanism: loss of function.

Submission:

Labcorp Genetics (formerly Invitae), Labcorp
Classification: Uncertain significance for Familial adenomatous polyposis 1. Last evaluated: 2025-10-13. Review status: criteria provided, single submitter. Criteria: Invitae Variant Classification Sherloc (09022015). Collection method: clinical testing. Allele origin: germline.
Comment: This sequence change replaces isoleucine, which is neutral and non-polar, with phenylalanine, which is neutral and non-polar, at codon 711 of the APC protein (p.Ile711Phe). This variant is not present in population databases (gnomAD no frequency). This variant has not been reported in the literature in individuals affected with APC-related conditions. ClinVar contains an entry for this variant (Variation ID: 1501918). Invitae Evidence Modeling of protein sequence and biophysical properties (such as structural, functional, and spatial information, amino acid conservation, physicochemical variation, residue mobility, and thermodynamic stability) indicates that this missense variant is not expected to disrupt APC protein function with a negative predictive value of 95%. In summary, the available evidence is currently insufficient to determine the role of this variant in disease. Therefore, it has been classified as a Variant of Uncertain Significance.

NM_000038.6(APC):c.2131A>T (p.Ile711Phe)

Gene: APC (APC regulator of Wnt signaling pathway; plus strand). Cytogenetic location: 5q22.2.
Variant type: single nucleotide variant.
Coding change: c.2131A>T on transcript NM_000038.6 (MANE Select); coding-DNA position 2131, A replaced by T.
Protein change: p.Ile711Phe; replaces isoleucine 711 with phenylalanine.
Molecular consequence: missense variant.
Genome position (GRCh38, 1-based): chr5:112,837,725, A>T. VCF-style: chr5-112837725-A-T. GRCh37 (hg19) VCF-style: chr5-112173422-A-T.
Other names: c.2131A>T, p.Ile711Phe (NM_001127510.3, NM_001354895.2); c.2077A>T, p.Ile693Phe (NM_001127511.3); c.2185A>T, p.Ile729Phe (NM_001354896.2); c.2161A>T, p.Ile721Phe (NM_001354897.2); c.2056A>T, p.Ile686Phe (NM_001354898.2); c.2047A>T, p.Ile683Phe (NM_001354899.2); c.2008A>T, p.Ile670Phe (NM_001354900.2); c.1954A>T, p.Ile652Phe (NM_001354901.2); and 5 more; short protein forms I551F, I585F, I620F, I686F, I721F, I729F, I428F, I652F.
Identifiers: ClinVar variation 1501918 (VCV001501918.6), dbSNP rs1580618611, ClinGen allele CA16025991.